The following is an entry in ClinVar:

ClinVar aggregate classification (germline): Likely benign. Review status: criteria provided, multiple submitters, no conflicts (2 of 4 stars). 3 submissions from 3 submitters: Likely benign (3). Last evaluated 2025-09-28.

Allele frequency attached by ClinVar (database versions not stated): gnomAD exomes 0.00001 and 0.00002; ExAC 0.00003; TOPMed 0.00004; gnomAD 0.00007 and 0.00008; ESP Exome Variant Server 0.00015.

Submissions (3):

Mayo Clinic Laboratories, Mayo Clinic
Classification: Likely benign. Last evaluated: 2025-09-28. Review status: criteria provided, single submitter. Criteria: ACMG Guidelines, 2015. Collection method: clinical testing. Allele origin: germline. Observed: 1 variant allele.
Comment: BP4, BP7, PM2_supporting

Labcorp Genetics (formerly Invitae), Labcorp
Classification: Likely benign. Last evaluated: 2025-08-17. Review status: criteria provided, single submitter. Criteria: Invitae Variant Classification Sherloc (09022015). Collection method: clinical testing. Allele origin: germline.

Blueprint Genetics
Classification: Likely benign. Last evaluated: 2024-01-23. Review status: criteria provided, single submitter. Criteria: ACMG Guidelines, 2015. Collection method: clinical testing. Allele origin: germline.

NM_022915.5(MRPL44):c.318A>G (p.Gln106=)

Gene: MRPL44 (mitochondrial ribosomal protein L44; plus strand). Cytogenetic location: 2q36.1.
Variant type: single nucleotide variant.
Coding change: c.318A>G on transcript NM_022915.5 (MANE Select); coding-DNA position 318, A replaced by G.
Protein change: p.Gln106=; no amino-acid change (glutamine 106 retained).
Molecular consequence: synonymous variant.
Genome position (GRCh38, 1-based): chr2:223,959,672, A>G. VCF-style: chr2-223959672-A-G. GRCh37 (hg19) VCF-style: chr2-224824389-A-G.
Other names: p.Gln106=.
Identifiers: ClinVar variation 1549109 (VCV001549109.10), dbSNP rs111350963, ClinGen allele CA2139032.
Genomic context (GRCh38, chr2:223,959,672, plus strand): 5'-TCTTCTCAAAACTGCATTTGTTAATAGCTGCTATATTAAAAGTGAGGAGGCCAAACGCCA[A>G]CAACTTGGGATAGAGAAAGAAGCTGTTCTTCTGAATCTTAAAAGTAATCAAGAACTATCC-3'
Protein context (NP_075066.1, residues 96-116): CYIKSEEAKR[Gln106=]QLGIEKEAVL